The following is an entry in ClinVar:

ClinVar aggregate classification (germline): Uncertain significance (1 of 4 stars; one submission).

Conditions:
CEP164-related disorder. Also called: CEP164-related condition.

Submission:

PreventionGenetics, part of Exact Sciences
Classification: Uncertain significance for CEP164-related condition. Last evaluated: 2025-10-07. Review status: criteria provided, single submitter. Criteria: ACMG Guidelines, 2015. Collection method: clinical testing. Allele origin: germline.
Comment: The CEP164 c.3620A>G variant is predicted to result in the amino acid substitution p.Glu1207Gly. To our knowledge, this variant has not been reported in the literature or in a large population database (gnomAD), indicating this variant is rare. At this time, the clinical significance of this variant is uncertain due to the absence of conclusive functional and genetic evidence.

NM_014956.5(CEP164):c.3620A>G (p.Glu1207Gly)

Gene: CEP164 (centrosomal protein 164; plus strand). Cytogenetic location: 11q23.3.
Variant type: single nucleotide variant.
Coding change: c.3620A>G on transcript NM_014956.5 (MANE Select); coding-DNA position 3620, A replaced by G.
Protein change: p.Glu1207Gly; replaces glutamic acid 1207 with glycine.
Molecular consequence: missense variant.
Genome position (GRCh38, 1-based): chr11:117,408,900, A>G. VCF-style: chr11-117408900-A-G. GRCh37 (hg19) VCF-style: chr11-117279616-A-G.
Other names: c.3395A>G, p.Glu1132Gly (NM_001440973.1, NM_001440974.1, NM_001440975.1 and 3 more transcripts); c.3392A>G, p.Glu1131Gly (NM_001440976.1, NM_001440977.1, NM_001440982.1); c.3410A>G, p.Glu1137Gly (NM_001440978.1); c.3332A>G, p.Glu1111Gly (NM_001440983.1); c.3263A>G, p.Glu1088Gly (NM_001440984.1); c.3245A>G, p.Glu1082Gly (NM_001440987.1); c.3260A>G, p.Glu1087Gly (NM_001440990.1); c.3185A>G, p.Glu1062Gly (NM_001440992.1); and 14 more; short protein forms E1087G, E1111G, E1137G, E1157G, E1161G, E1177G, E1181G, E1082G.
Identifiers: ClinVar variation 4997722 (VCV004997722.1).